The following is an entry in ClinVar:

ClinVar aggregate classification (germline): Conflicting classifications of pathogenicity. Review status: criteria provided, conflicting classifications (1 of 4 stars). 4 submissions from 4 submitters: Uncertain significance (1); Benign (1); Likely benign (2). Last evaluated 2025-08-18.

Conditions:
Early-infantile DEE. Also called: Early infantile epileptic encephalopathy with suppression bursts; Early infantile epileptic encephalopathy; Ohtahara syndrome. Identifiers: Orphanet 1934, MedGen C0393706, MONDO:0800491.
Early Myoclonic Encephalopathy. Identifiers: MedGen C0270855.

Allele frequency attached by ClinVar (database versions not stated): gnomAD 0.00008 and 0.00009; gnomAD exomes 0.00010; ExAC 0.00011; TOPMed 0.00011.
gnomAD v4.1: 128 of 1,545,032 alleles (0.0083%); highest among the groups gnomAD compares: Non-Finnish European, 0.0084%; no homozygotes.

Submissions (4):

Labcorp Genetics (formerly Invitae), Labcorp
Classification: Likely benign for Early-infantile DEE. Last evaluated: 2025-08-18. Review status: criteria provided, single submitter. Criteria: Invitae Variant Classification Sherloc (09022015). Collection method: clinical testing. Allele origin: germline.

Blueprint Genetics
Classification: Likely benign. Last evaluated: 2022-12-15. Review status: criteria provided, single submitter. Criteria: ACMG Guidelines, 2015. Collection method: clinical testing. Allele origin: germline.

Illumina Laboratory Services, Illumina
Classification: Uncertain significance for Developmental and epileptic encephalopathy, 3. Last evaluated: 2018-01-13. Review status: criteria provided, single submitter. Criteria: ICSL Variant Classification Criteria 13 December 2019. Collection method: clinical testing. Allele origin: germline.

GeneDx
Classification: Benign. Last evaluated: 2013-12-02. Review status: criteria provided, single submitter. Criteria: GeneDx Variant Classification (06012015). Collection method: clinical testing. Allele origin: germline. Affected: yes.
Comment: This variant is considered likely benign or benign based on one or more of the following criteria: it is a conservative change, it occurs at a poorly conserved position in the protein, it is predicted to be benign by multiple in silico algorithms, and/or has population frequency not consistent with disease.

NM_001191061.2(SLC25A22):c.413-12C>T

Gene: SLC25A22 (solute carrier family 25 member 22; minus strand). Cytogenetic location: 11p15.5.
Variant type: single nucleotide variant.
Coding change: c.413-12C>T on transcript NM_001191061.2 (MANE Select); 12 bases into the intron before coding-DNA position 413, C replaced by T.
Molecular consequence: intron variant.
Genome position (GRCh38, 1-based): chr11:792,739, G>A on the plus strand (C>T on the coding strand, the complement: SLC25A22 is on the minus strand). VCF-style: chr11-792739-G-A. GRCh37 (hg19) VCF-style: chr11-792739-G-A.
Other names: c.413-12C>T (NM_001191060.2, NM_024698.6).
Identifiers: ClinVar variation 139135 (VCV000139135.14), dbSNP rs587781169, ClinGen allele CA293518.